The following is an entry in ClinVar:

NM_004727.3(SLC24A1):c.1282C>T (p.Pro428Ser)

Gene: SLC24A1 (solute carrier family 24 member 1; plus strand). Cytogenetic location: 15q22.31.
Variant type: single nucleotide variant.
Coding change: c.1282C>T on transcript NM_004727.3 (MANE Select); coding-DNA position 1282, C replaced by T.
Protein change: p.Pro428Ser; replaces proline 428 with serine.
Molecular consequence: missense variant.
Genome position (GRCh38, 1-based): chr15:65,625,362, C>T. VCF-style: chr15-65625362-C-T. GRCh37 (hg19) VCF-style: chr15-65917700-C-T.
Other names: c.1282C>T, p.Pro428Ser (NM_001301031.1, NM_001301032.1, NM_001301033.2 and 1 more transcripts); short protein forms P428S.
Identifiers: ClinVar variation 2011033 (VCV002011033.4), dbSNP rs1328795362, ClinGen allele CA392917133.
Genomic context (GRCh38, chr15:65,625,362, plus strand): 5'-TCCCCAAGCCTCACAACAGCCCTGCTCCCAGAGGAGCTCAGTCCTAGTCCCTCAGTGCTG[C>T]CTCCCAGCTTGCCAGACCTCCACCCCAAGGGAGAGTACCCCCCAGATCTGTTCAGTGTGG-3'
Protein context (NP_004718.1, residues 418-438): EELSPSPSVL[Pro428Ser]PSLPDLHPKG

ClinVar aggregate classification (germline): Uncertain significance (1 of 4 stars; one submission).

Allele frequency attached by ClinVar (database versions not stated): gnomAD exomes below 0.00001.
gnomAD v4.1: 1 of 1,614,052 alleles (0.000062%); highest among the groups gnomAD compares: Non-Finnish European, 0.000085%; no homozygotes.

Submission:

Labcorp Genetics (formerly Invitae), Labcorp
Classification: Uncertain significance. Last evaluated: 2022-06-26. Review status: criteria provided, single submitter. Criteria: Invitae Variant Classification Sherloc (09022015). Collection method: clinical testing. Allele origin: germline.
Comment: In summary, the available evidence is currently insufficient to determine the role of this variant in disease. Therefore, it has been classified as a Variant of Uncertain Significance. Algorithms developed to predict the effect of missense changes on protein structure and function (SIFT, PolyPhen-2, Align-GVGD) all suggest that this variant is likely to be tolerated. This variant has not been reported in the literature in individuals affected with SLC24A1-related conditions. This variant is not present in population databases (gnomAD no frequency). This sequence change replaces proline, which is neutral and non-polar, with serine, which is neutral and polar, at codon 428 of the SLC24A1 protein (p.Pro428Ser).